The following is an entry in ClinVar:

ClinVar aggregate classification (germline): Uncertain significance. Review status: criteria provided, multiple submitters, no conflicts (2 of 4 stars). 2 submissions from 2 submitters: Uncertain significance (2). Last evaluated 2026-08-06.

Allele frequency attached by ClinVar (database versions not stated): gnomAD exomes 0.00002; ExAC 0.00003.
gnomAD v4.1: 26 of 1,614,142 alleles (0.0016%); highest among the groups gnomAD compares: South Asian, 0.0022%; no homozygotes.

Submissions (2):

OLLIN Analises Genomicas, OLLIN
Classification: Uncertain significance. Last evaluated: 2026-08-06. Review status: criteria provided, single submitter. Criteria: ACMG Guidelines 2015 PMID 25741868. Collection method: clinical testing. Allele origin: germline.
Comment: This missense variant, located in exon 26 (of 28), has been reported in ClinVar (accession VCV002470375.2) and in gnomAD with an allele frequency of 0.0016%. However, to our knowledge, it has not been reported in the scientific literature. In silico analysis predicts that this variant has a deleterious effect. According to the currently available evidence, this variant has been classified as uncertain significance (PM2_P, PP3_S).

Ambry Genetics
Classification: Uncertain significance. Last evaluated: 2023-01-17. Review status: criteria provided, single submitter. Criteria: Ambry Variant Classification Scheme 2023. Collection method: clinical testing. Allele origin: germline.

NM_001042603.3(KDM5A):c.4396T>C (p.Trp1466Arg)

Gene: KDM5A (lysine demethylase 5A; minus strand). Cytogenetic location: 12p13.33.
Variant type: single nucleotide variant.
Coding change: c.4396T>C on transcript NM_001042603.3 (MANE Select); coding-DNA position 4396, T replaced by C.
Protein change: p.Trp1466Arg; replaces tryptophan 1466 with arginine.
Molecular consequence: missense variant.
Genome position (GRCh38, 1-based): chr12:295,632, A>G on the plus strand (T>C on the coding strand, the complement: KDM5A is on the minus strand). VCF-style: chr12-295632-A-G. GRCh37 (hg19) VCF-style: chr12-404798-A-G.
Other names: short protein forms W1466R.
Identifiers: ClinVar variation 2470375 (VCV002470375.3), dbSNP rs769621706, ClinGen allele CA6378575.
Genomic context (GRCh38, chr12:295,632, plus strand): 5'-CCTCCATGATATGCAAGAATCTGTCTTCAGAGGGTGGGTGTGTGGCCTGCAAAATCCGCC[A>G]TATGTGTTGAGTCTCGTCCAGAGATACTTCCAGGAGATCTCCAACCATCATAAGTTCTTC-3'
Protein context (NP_001036068.1, residues 1456-1476): EVSLDETQHI[Trp1466Arg]RILQATHPPS